The following is an entry in ClinVar:

NM_000553.6(WRN):c.1810G>T (p.Asp604Tyr)

Gene: WRN (WRN RecQ like helicase; plus strand). Cytogenetic location: 8p12.
Variant type: single nucleotide variant.
Coding change: c.1810G>T on transcript NM_000553.6 (MANE Select); coding-DNA position 1810, G replaced by T.
Protein change: p.Asp604Tyr; replaces aspartic acid 604 with tyrosine.
Molecular consequence: missense variant.
Genome position (GRCh38, 1-based): chr8:31,090,923, G>T. VCF-style: chr8-31090923-G-T. GRCh37 (hg19) VCF-style: chr8-30948439-G-T.
Other names: short protein forms D604Y.
Identifiers: ClinVar variation 2847133 (VCV002847133.3), dbSNP rs1813724324, ClinGen allele CA370928141.
Genomic context (GRCh38, chr8:31,090,923, plus strand): 5'-CCACCTGTTTATGTAGGCAAGATTGGCCTTGTTATCTCTCCCCTTATTTCTCTGATGGAA[G>T]ACCAAGTGCTACAGCTTAAGTAAGTCATGTTATCATTGCCACAATATCACCCTCTTTTTT-3'
Protein context (NP_000544.2, residues 594-614): VISPLISLME[Asp604Tyr]QVLQLKMSNI

ClinVar aggregate classification (germline): Uncertain significance (1 of 4 stars; one submission).

Conditions:
Werner syndrome (WRN). Identifiers: Orphanet 902, MedGen C0043119, MONDO:0010196, OMIM 277700.

Submission:

Labcorp Genetics (formerly Invitae), Labcorp
Classification: Uncertain significance for Werner syndrome. Last evaluated: 2023-03-18. Review status: criteria provided, single submitter. Criteria: Invitae Variant Classification Sherloc (09022015). Collection method: clinical testing. Allele origin: germline.
Comment: This variant has not been reported in the literature in individuals affected with WRN-related conditions. This variant is not present in population databases (gnomAD no frequency). This sequence change replaces aspartic acid, which is acidic and polar, with tyrosine, which is neutral and polar, at codon 604 of the WRN protein (p.Asp604Tyr). An algorithm developed to predict the effect of missense changes on protein structure and function (PolyPhen-2) suggests that this variant is likely to be disruptive. In summary, the available evidence is currently insufficient to determine the role of this variant in disease. Therefore, it has been classified as a Variant of Uncertain Significance.